The following is an entry in ClinVar:

ClinVar aggregate classification (germline): Pathogenic. Review status: criteria provided, multiple submitters, no conflicts (2 of 4 stars). 11 submissions from 11 submitters: Pathogenic (10). 1 of the submissions does not count toward it. Last evaluated 2026-05-01.

Conditions:
PTS-related disorder. Also called: PTS-related condition.
6-Pyruvoyl-tetrahydrobiopterin synthase deficiency. Also called: 6-Pyruvoyltetrahydropterin Synthase Deficiency; HYPERPHENYLALANINEMIA, TETRAHYDROBIOPTERIN-DEFICIENT, DUE TO PTS DEFICIENCY; Hyperphenylalanemia, BH4-deficient, A; Hyperphenylalaninemia due to 6-pyruvoyl-tetrahydropterin synthase deficiency; BH4-deficient hyperphenylalaninemia A; PTS-Related Tetrahydrobiopterin Deficiency. Identifiers: Orphanet 13, Orphanet 238583, MedGen C0878676, MONDO:0009863, OMIM 261640.

Allele frequency attached by ClinVar (database versions not stated): gnomAD 0.00002.
gnomAD v4.1: 16 of 1,517,502 alleles (0.0011%); highest among the groups gnomAD compares: Non-Finnish European, 0.0014%; no homozygotes.

Submissions (11):

CeGaT Center for Human Genetics Tuebingen
Classification: Pathogenic. Last evaluated: 2026-05-01. Review status: criteria provided, single submitter. Criteria: CeGaT Center For Human Genetics Tuebingen Variant Classification Criteria Version 2. Collection method: clinical testing. Allele origin: germline. Affected: yes. Observed: 4 variant alleles.
Comment: PTS: PM3:Very Strong, PM2, PS3:Supporting, BP4

GeneDx
Classification: Pathogenic. Last evaluated: 2025-11-13. Review status: criteria provided, single submitter. Criteria: GeneDx Variant Classification Process June 2021. Collection method: clinical testing. Allele origin: germline. Affected: yes.
Comment: Published functional studies demonstrate that this variant results in complete inactivity of the PTPS enzyme (PMID: 9222757); Not observed at significant frequency in large population cohorts (gnomAD); In silico analysis supports a deleterious effect on splicing; This variant is associated with the following publications: (PMID: 25525159, 27246466, 10585341, 20059486, 9222757, 31589614, 32651154, 33234470, 33977029, 33822819, 33726816, 36646061, 39039281)

Natera, Inc.
Classification: Pathogenic for 6-Pyruvoyl-tetrahydrobiopterin synthase deficiency. Last evaluated: 2025-08-06. Review status: criteria provided, single submitter. Criteria: Natera Variant Classification Schema (03/2026). Collection method: clinical testing. Allele origin: germline.
Comment: The c.84-3C>G variant in PTS is an intronic variant located outside the canonical splice sites. This variant is rare in the general population with a frequency below the threshold expected for the associated phenotype(s). This variant has been observed in one or more individuals affected with the associated recessive disease, as either homozygous or compound heterozygous with a second variant (PMID: 33234470, 10585341, 9222757). Functional studies show that this variant may disrupt protein function (PMID: 9222757). Computational prediction algorithms indicate this variant is likely to affect gene or protein function. Given the available evidence, this variant is classified as Pathogenic.

Blueprint Genetics
Classification: Pathogenic for PTS-related disorders. Last evaluated: 2024-09-30. Review status: criteria provided, single submitter. Criteria: ACMG Guidelines, 2015. Collection method: clinical testing. Allele origin: germline. Affected: yes. Observed: 5 variant alleles.

Fulgent Genetics
Classification: Pathogenic for 6-Pyruvoyl-tetrahydrobiopterin synthase deficiency. Last evaluated: 2024-03-16. Review status: criteria provided, single submitter. Criteria: ACMG Guidelines, 2015. Collection method: clinical testing. Allele origin: germline.

Laboratory of Medical Genetics, National & Kapodistrian University of Athens
Classification: Pathogenic for 6-Pyruvoyl-tetrahydrobiopterin synthase deficiency. Last evaluated: 2024-02-01. Review status: criteria provided, single submitter. Criteria: ACMG Guidelines, 2015. Collection method: curation. Allele origin: germline. Affected: no.

Labcorp Genetics (formerly Invitae), Labcorp
Classification: Pathogenic for 6-Pyruvoyl-tetrahydrobiopterin synthase deficiency. Last evaluated: 2024-01-27. Review status: criteria provided, single submitter. Criteria: Invitae Variant Classification Sherloc (09022015). Collection method: clinical testing. Allele origin: germline.
Comment: This sequence change falls in intron 1 of the PTS gene. It does not directly change the encoded amino acid sequence of the PTS protein. It affects a nucleotide within the consensus splice site. This variant is not present in population databases (gnomAD no frequency). This variant has been observed in individual(s) with biopterin deficient hyperphenylalaninemia (PMID: 9222757, 27246466). In at least one individual the data is consistent with being in trans (on the opposite chromosome) from a pathogenic variant. This variant is also known as delK29-S32. ClinVar contains an entry for this variant (Variation ID: 553378). Algorithms developed to predict the effect of variants on protein structure and function are not available or were not evaluated for this variant. Experimental studies have shown that this variant affects PTS function (PMID: 9222757). Variants that disrupt the consensus splice site are a relatively common cause of aberrant splicing (PMID: 17576681, 9536098). Algorithms developed to predict the effect of sequence changes on RNA splicing suggest that this variant may disrupt the consensus splice site. For these reasons, this variant has been classified as Pathogenic.

Baylor Genetics
Classification: Pathogenic for 6-Pyruvoyl-tetrahydrobiopterin synthase deficiency. Last evaluated: 2024-01-20. Review status: criteria provided, single submitter. Criteria: ACMG Guidelines, 2015. Collection method: clinical testing. Allele origin: unknown.

Genome-Nilou Lab
Classification: Pathogenic for 6-Pyruvoyl-tetrahydrobiopterin synthase deficiency. Last evaluated: 2021-09-05. Review status: criteria provided, single submitter. Criteria: ACMG Guidelines, 2015. Collection method: clinical testing. Allele origin: germline. Affected: no.

Institute of Medical Genetics and Applied Genomics, University Hospital Tübingen
Classification: Pathogenic. Last evaluated: 2020-10-23. Review status: criteria provided, single submitter. Criteria: ACMG Guidelines, 2015. Collection method: clinical testing. Allele origin: germline. Inheritance: Autosomal recessive inheritance. Affected: yes.

Counsyl
Classification: Likely pathogenic for 6-Pyruvoyl-tetrahydrobiopterin synthase deficiency. Last evaluated: 2017-08-22. Review status: no assertion criteria provided. Collection method: clinical testing. Allele origin: unknown. Not counted in ClinVar's aggregate classification.

Literature cited by the submitters: PubMed 33234470 (cited by Natera, Inc.); PubMed 10585341 (cited by Natera, Inc. and Counsyl); PubMed 9222757 (cited by 3 submitters); PubMed 27246466 (cited by Labcorp Genetics (formerly Invitae), Labcorp and Counsyl); PubMed 17576681 (cited by Labcorp Genetics (formerly Invitae), Labcorp); PubMed 9536098 (cited by Labcorp Genetics (formerly Invitae), Labcorp); PubMed 20059486 (cited by Counsyl).

NM_000317.3(PTS):c.84-3C>G

Gene: PTS (6-pyruvoyltetrahydropterin synthase; plus strand). Cytogenetic location: 11q23.1.
Variant type: single nucleotide variant.
Coding change: c.84-3C>G on transcript NM_000317.3 (MANE Select); 3 bases into the intron before coding-DNA position 84, C replaced by G.
Molecular consequence: intron variant.
Genome position (GRCh38, 1-based): chr11:112,228,591, C>G. VCF-style: chr11-112228591-C-G. GRCh37 (hg19) VCF-style: chr11-112099314-C-G.
Identifiers: ClinVar variation 553378 (VCV000553378.63), dbSNP rs1230781262, ClinGen allele CA601757541.